The following is an entry in ClinVar:

ClinVar aggregate classification (germline): Uncertain significance. Review status: criteria provided, multiple submitters, no conflicts (2 of 4 stars). 2 submissions from 2 submitters: Uncertain significance (2). Last evaluated 2025-04-13.

Conditions:
Hereditary cancer-predisposing syndrome. Also called: Tumor predisposition; Neoplastic Syndromes, Hereditary; Hereditary Cancer Syndrome; Hereditary neoplastic syndrome. Identifiers: Orphanet 140162, MedGen C0027672, MeSH D009386, MONDO:0015356.
Ataxia-telangiectasia syndrome (AT). Also called: ATAXIA-TELANGIECTASIA, COMPLEMENTATION GROUP A; ATAXIA-TELANGIECTASIA, FRESNO VARIANT; Ataxia-telangiectasia; Ataxia-telangiectasia, complementation group D; AT, COMPLEMENTATION GROUP C; Ataxia-telangiectasia, complementation group E. Identifiers: Orphanet 100, MedGen C0004135, MONDO:0008840, OMIM 208900.

Submissions (2):

Labcorp Genetics (formerly Invitae), Labcorp
Classification: Uncertain significance for Ataxia-telangiectasia syndrome. Last evaluated: 2025-04-13. Review status: criteria provided, single submitter. Criteria: Invitae Variant Classification Sherloc (09022015). Collection method: clinical testing. Allele origin: germline.
Comment: This sequence change replaces glutamic acid, which is acidic and polar, with aspartic acid, which is acidic and polar, at codon 2979 of the ATM protein (p.Glu2979Asp). This variant is not present in population databases (gnomAD no frequency). This variant has not been reported in the literature in individuals affected with ATM-related conditions. ClinVar contains an entry for this variant (Variation ID: 822826). Invitae Evidence Modeling of protein sequence and biophysical properties (such as structural, functional, and spatial information, amino acid conservation, physicochemical variation, residue mobility, and thermodynamic stability) indicates that this missense variant is not expected to disrupt ATM protein function with a negative predictive value of 95%. In summary, the available evidence is currently insufficient to determine the role of this variant in disease. Therefore, it has been classified as a Variant of Uncertain Significance.

Ambry Genetics
Classification: Uncertain significance for Hereditary cancer-predisposing syndrome. Last evaluated: 2018-11-27. Review status: criteria provided, single submitter. Criteria: Ambry Variant Classification Scheme 2023. Collection method: clinical testing. Allele origin: germline.
Comment: The p.E2979D variant (also known as c.8937G>T), located in coding exon 61 of the ATM gene, results from a G to T substitution at nucleotide position 8937. The glutamic acid at codon 2979 is replaced by aspartic acid, an amino acid with highly similar properties. This amino acid position is not well conserved in available vertebrate species. In addition, this alteration is predicted to be tolerated by in silico analysis. Since supporting evidence is limited at this time, the clinical significance of this alteration remains unclear.

NM_000051.4(ATM):c.8937G>T (p.Glu2979Asp)

Genes: C11orf65 (chromosome 11 open reading frame 65; minus strand), ATM (ATM serine/threonine kinase; plus strand). Cytogenetic location: 11q22.3.
Variant type: single nucleotide variant.
Coding change: c.8937G>T on transcript NM_000051.4 (MANE Select); coding-DNA position 8937, G replaced by T.
Protein change: p.Glu2979Asp; replaces glutamic acid 2979 with aspartic acid.
Molecular consequence: missense variant. On other transcripts: intron variant (2).
Genome position (GRCh38, 1-based): chr11:108,365,168, G>T. VCF-style: chr11-108365168-G-T. GRCh37 (hg19) VCF-style: chr11-108235895-G-T.
Other names: c.8937G>T, p.Glu2979Asp (NM_001351834.2); c.640+20752C>A (NM_001330368.2); c.694+20752C>A (NM_001351110.2); short protein forms E2979D.
Identifiers: ClinVar variation 822826 (VCV000822826.7), dbSNP rs876658242, ClinGen allele CA382530085.